The following is an entry in ClinVar:

ClinVar aggregate classification (germline): Benign/Likely benign. Review status: criteria provided, multiple submitters, no conflicts (2 of 4 stars). 11 submissions from 11 submitters: Benign (9); Likely benign (2). Last evaluated 2026-02-04.

Conditions:
Global developmental delay - lung cysts - overgrowth - Wilms tumor syndrome. Also called: GLOW Syndrome; GLOBAL DEVELOPMENTAL DELAY, LUNG CYSTS, OVERGROWTH, AND WILMS TUMOR. Identifiers: Orphanet 404476, MedGen C4748924, MONDO:0018445, OMIM 618272.
Rhabdomyosarcoma, embryonal, 2 (RMSE2). Identifiers: MedGen C1867234, MONDO:0859046, OMIM 180295.
Pleuropulmonary blastoma (PPB). Identifiers: Orphanet 64742, MedGen C1266144, MONDO:0011014, OMIM 601200, HP:0100528.
Euthyroid goiter (MNG1). Also called: Goiter, multinodular 1, with or without Sertoli-Leydig cell tumors; SIMPLE GOITER; GOITER, NONTOXIC, WITH INTRATHYROIDAL CALCIFICATION; MULTINODULAR GOITER, ADOLESCENT. Identifiers: Orphanet 276399, MedGen C0302859, MONDO:0007681, OMIM 138800, HP:0009798.
DICER1-related tumor predisposition. Also called: DICER1 syndrome; DICER1-related pleuropulmonary blastoma cancer predisposition syndrome. Identifiers: Orphanet 284343, MedGen C3839822, MONDO:0100216.
Hereditary cancer-predisposing syndrome. Also called: Neoplastic Syndromes, Hereditary; Hereditary neoplastic syndrome; Tumor predisposition; Hereditary Cancer Syndrome. Identifiers: Orphanet 140162, MedGen C0027672, MeSH D009386, MONDO:0015356.

Submissions (11):

Labcorp Genetics (formerly Invitae), Labcorp
Classification: Benign for DICER1-related tumor predisposition. Last evaluated: 2026-02-04. Review status: criteria provided, single submitter. Criteria: Invitae Variant Classification Sherloc (09022015). Collection method: clinical testing. Allele origin: germline.

Myriad Genetics, Inc.
Classification: Benign for DICER1-related tumor predisposition. Last evaluated: 2026-01-16. Review status: criteria provided, single submitter. Criteria: Myriad Autosomal Dominant, Autosomal Recessive and X-Linked Classification Criteria (2023). Collection method: clinical testing. Allele origin: unknown.
Comment: This variant is considered benign. This variant is intronic and is not expected to impact mRNA splicing. This variant has been observed at a population frequency that is significantly greater than expected given the associated disease prevalence and penetrance.

Quest Diagnostics Nichols Institute San Juan Capistrano
Classification: Benign. Last evaluated: 2025-08-28. Review status: criteria provided, single submitter. Criteria: Quest Diagnostics criteria. Collection method: clinical testing. Allele origin: unknown.

ARUP Laboratories, Molecular Genetics and Genomics, ARUP Laboratories
Classification: Benign. Last evaluated: 2025-05-06. Review status: criteria provided, single submitter. Criteria: ARUP Molecular Germline Variant Investigation Process 2024. Collection method: clinical testing. Allele origin: germline.

Center for Genomic Medicine, Rigshospitalet, Copenhagen University Hospital
Classification: Benign. Last evaluated: 2025-03-04. Review status: criteria provided, single submitter. Criteria: ACMG Guidelines, 2015. Collection method: clinical testing. Allele origin: germline.

Blueprint Genetics
Classification: Likely benign. Last evaluated: 2024-11-27. Review status: criteria provided, single submitter. Criteria: ACMG Guidelines, 2015. Collection method: clinical testing. Allele origin: germline.

Department of Pathology and Laboratory Medicine, Sinai Health System
Classification: Likely benign for Euthyroid goiter; Rhabdomyosarcoma, embryonal, 2; Pleuropulmonary blastoma; Global developmental delay - lung cysts - overgrowth - Wilms tumor syndrome. Last evaluated: 2023-06-13. Review status: criteria provided, single submitter. Criteria: ACMG Guidelines, 2015. Collection method: clinical testing. Allele origin: germline. Affected: yes.

Mayo Clinic Laboratories, Mayo Clinic
Classification: Benign. Last evaluated: 2023-02-08. Review status: criteria provided, single submitter. Criteria: ACMG Guidelines, 2015. Collection method: clinical testing. Allele origin: germline. Observed: 3 variant alleles.
Comment: BA1, BP4, BP7

CeGaT Center for Human Genetics Tuebingen
Classification: Benign. Last evaluated: 2022-09-01. Review status: criteria provided, single submitter. Criteria: CeGaT Center For Human Genetics Tuebingen Variant Classification Criteria Version 2. Collection method: clinical testing. Allele origin: germline. Affected: yes. Observed: 1 variant allele.
Comment: DICER1: BP4, BS1, BS2

Sema4
Classification: Benign for Hereditary cancer-predisposing syndrome. Last evaluated: 2020-09-10. Review status: criteria provided, single submitter. Criteria: Sema4 Curation Guidelines. Collection method: curation. Allele origin: germline.

Ambry Genetics
Classification: Benign for Hereditary cancer-predisposing syndrome. Last evaluated: 2016-06-01. Review status: criteria provided, single submitter. Criteria: Ambry Variant Classification Scheme 2023. Collection method: clinical testing. Allele origin: germline.

NM_177438.3(DICER1):c.1510-4dup

Gene: DICER1 (dicer 1, ribonuclease III; minus strand). Cytogenetic location: 14q32.13.
Variant type: Duplication.
Coding change: c.1510-4dup on transcript NM_177438.3 (MANE Select); 4 bases into the intron before coding-DNA position 1510, one base duplicated (T; older notation c.1510-4dupT).
Molecular consequence: intron variant.
Genome position (GRCh38, 1-based): chr14:95,116,699, A duplicated on the plus strand (T on the coding strand, the reverse complement: DICER1 is on the minus strand); the first of 10 consecutive A bases (chr14:95,116,699-95,116,708); duplicating any one gives the same sequence. VCF-style (leftmost placement, unchanged base first): chr14-95116698-G-GA. GRCh37 (hg19) VCF-style: chr14-95583035-G-GA.
Other names: p.?; c.1510-4dupT (NM_177438.3, NM_177438.2); c.1510-4dup (NM_001291628.2, NM_030621.4, NM_001271282.3 and 1 more transcripts).
Identifiers: ClinVar variation 220593 (VCV000220593.55), dbSNP rs546524688, ClinGen allele CA348647.